The following is an entry in ClinVar:

NM_152443.3(RDH12):c.648_658+20del

Genes: GPHN (gephyrin; plus strand), RDH12 (retinol dehydrogenase 12; plus strand). Cytogenetic location: 14q24.1.
Variant type: Deletion.
Coding change: c.648_658+20del on transcript NM_152443.3 (MANE Select); coding-DNA position 648 through 20 bases into the intron after coding-DNA position 658, 31 bases deleted.
Molecular consequence: splice donor variant.
Genome position (GRCh38, 1-based): chr14:67,727,180-67,727,210, 31 bases deleted; deleting any 31 consecutive bases within chr14:67,727,179-67,727,210 gives the same sequence; the c. name uses the placement nearest the transcript's 3' end. GRCh37 (hg19): chr14:68,193,897-68,193,927.
Identifiers: ClinVar variation 236434 (VCV000236434.11), dbSNP rs878853341, ClinGen allele CA10581694.

ClinVar aggregate classification (germline): Likely pathogenic. Review status: criteria provided, multiple submitters, no conflicts (2 of 4 stars). 3 submissions from 3 submitters: Likely pathogenic (2). 1 of the submissions does not count toward it. Last evaluated 2022-04-13.

Conditions:
RDH12-related disorder. Also called: RDH12-related condition; RDH12-related disorders.
Retinal dystrophy. Also called: Inherited retinal dystrophy. Identifiers: Orphanet 71862, MedGen C0854723, MeSH D058499, MONDO:0019118, HP:0000556.
Leber congenital amaurosis 13 (LCA13). Identifiers: MedGen C2675186, MONDO:0012990, OMIM 612712.

Submissions (3):

Labcorp Genetics (formerly Invitae), Labcorp
Classification: Likely pathogenic for Leber congenital amaurosis 13. Last evaluated: 2022-04-13. Review status: criteria provided, single submitter. Criteria: Invitae Variant Classification Sherloc (09022015). Collection method: clinical testing. Allele origin: germline.
Comment: This variant is not present in population databases (gnomAD no frequency). This variant results in the deletion of part of exon 7 (c.648_658+20del) of the RDH12 gene. It is expected to disrupt RNA splicing. Variants that disrupt the donor or acceptor splice site typically lead to a loss of protein function (PMID: 16199547), and loss-of-function variants in RDH12 are known to be pathogenic (PMID: 17964524, 22065924). In summary, the currently available evidence indicates that the variant is pathogenic, but additional data are needed to prove that conclusively. Therefore, this variant has been classified as Likely Pathogenic. Algorithms developed to predict the effect of sequence changes on RNA splicing suggest that this variant may disrupt the consensus splice site. ClinVar contains an entry for this variant (Variation ID: 236434). This variant is also known as c.648_658+20del31. This variant has been observed in individual(s) with leber congenital amaurosis or early onset rod-cone dystrophy (PMID: 27208204).

Blueprint Genetics
Classification: Likely pathogenic for RDH12-related disorders. Last evaluated: 2021-03-04. Review status: criteria provided, single submitter. Criteria: ACMG Guidelines, 2015. Collection method: clinical testing. Allele origin: germline. Affected: yes. Observed: 2 variant alleles.

Centre for Genomic Medicine, Manchester, Central Manchester University Hospitals
Classification: Likely pathogenic for Retinal dystrophy. Review status: no assertion criteria provided. Collection method: clinical testing. Allele origin: germline. Affected: yes. Not counted in ClinVar's aggregate classification.

Literature cited by the submitters: PubMed 16199547 (cited by Labcorp Genetics (formerly Invitae), Labcorp); PubMed 17964524 (cited by Labcorp Genetics (formerly Invitae), Labcorp); PubMed 22065924 (cited by Labcorp Genetics (formerly Invitae), Labcorp); PubMed 27208204 (cited by Labcorp Genetics (formerly Invitae), Labcorp).